The following is an entry in ClinVar:

ClinVar aggregate classification (germline): Conflicting classifications of pathogenicity. Review status: criteria provided, conflicting classifications (1 of 4 stars). 4 submissions from 4 submitters: Uncertain significance (3); Likely benign (1). Last evaluated 2024-01-17.

Conditions:
Inborn genetic diseases. Identifiers: MedGen C0950123, MeSH D030342.

Allele frequency attached by ClinVar (database versions not stated): ExAC 0.00004; TOPMed 0.00005; gnomAD 0.00006; gnomAD exomes 0.00007.
gnomAD v4.1: 106 of 1,614,052 alleles (0.0066%); highest among the groups gnomAD compares: Non-Finnish European, 0.0085%; no homozygotes.

Submissions (4):

ARUP Laboratories, Molecular Genetics and Genomics, ARUP Laboratories
Classification: Uncertain significance. Last evaluated: 2024-01-17. Review status: criteria provided, single submitter. Criteria: ARUP Molecular Germline Variant Investigation Process 2024. Collection method: clinical testing. Allele origin: germline.

Blueprint Genetics
Classification: Likely benign. Last evaluated: 2023-02-24. Review status: criteria provided, single submitter. Criteria: ACMG Guidelines, 2015. Collection method: clinical testing. Allele origin: germline.

Ambry Genetics
Classification: Uncertain significance for Inborn genetic diseases. Last evaluated: 2022-12-05. Review status: criteria provided, single submitter. Criteria: Ambry Variant Classification Scheme 2023. Collection method: clinical testing. Allele origin: germline.

Labcorp Genetics (formerly Invitae), Labcorp
Classification: Uncertain significance. Last evaluated: 2022-08-08. Review status: criteria provided, single submitter. Criteria: Invitae Variant Classification Sherloc (09022015). Collection method: clinical testing. Allele origin: germline.
Comment: This sequence change replaces glutamine, which is neutral and polar, with arginine, which is basic and polar, at codon 1129 of the SPTB protein (p.Gln1129Arg). This variant is present in population databases (rs769684663, gnomAD 0.008%). This variant has not been reported in the literature in individuals affected with SPTB-related conditions. Algorithms developed to predict the effect of missense changes on protein structure and function output the following: SIFT: "Tolerated"; PolyPhen-2: "Benign"; Align-GVGD: "Class C0". The arginine amino acid residue is found in multiple mammalian species, which suggests that this missense change does not adversely affect protein function. In summary, the available evidence is currently insufficient to determine the role of this variant in disease. Therefore, it has been classified as a Variant of Uncertain Significance.

NM_001355436.2(SPTB):c.3386A>G (p.Gln1129Arg)

Gene: SPTB (spectrin beta, erythrocytic; minus strand). Cytogenetic location: 14q23.3.
Variant type: single nucleotide variant.
Coding change: c.3386A>G on transcript NM_001355436.2 (MANE Select); coding-DNA position 3386, A replaced by G.
Protein change: p.Gln1129Arg; replaces glutamine 1129 with arginine.
Molecular consequence: missense variant.
Genome position (GRCh38, 1-based): chr14:64,786,579, T>C on the plus strand (A>G on the coding strand, the complement: SPTB is on the minus strand). VCF-style: chr14-64786579-T-C. GRCh37 (hg19) VCF-style: chr14-65253297-T-C.
Other names: NM_000347.5:c.3386A>G; c.3386A>G, p.Gln1129Arg (NM_001024858.4, NM_001355437.2); short protein forms Q1129R.
Identifiers: ClinVar variation 1920504 (VCV001920504.8), dbSNP rs769684663, ClinGen allele CA7230642.